The following is an entry in ClinVar:

ClinVar aggregate classification (germline): Uncertain significance (1 of 4 stars; one submission).

Allele frequency attached by ClinVar (database versions not stated): gnomAD exomes below 0.00001; ExAC 0.00001; gnomAD 0.00001; TOPMed 0.00002; 1000 Genomes Project 30x 0.00016; 1000 Genomes Project 0.00020.
gnomAD v4.1: 8 of 1,614,160 alleles (0.0005%); highest among the groups gnomAD compares: East Asian, 0.0022%; no homozygotes.

Submission:

Labcorp Genetics (formerly Invitae), Labcorp
Classification: Uncertain significance. Last evaluated: 2023-04-24. Review status: criteria provided, single submitter. Criteria: Invitae Variant Classification Sherloc (09022015). Collection method: clinical testing. Allele origin: germline.
Comment: In summary, the available evidence is currently insufficient to determine the role of this variant in disease. Therefore, it has been classified as a Variant of Uncertain Significance. An algorithm developed to predict the effect of missense changes on protein structure and function (PolyPhen-2) suggests that this variant is likely to be disruptive. This variant has not been reported in the literature in individuals affected with ASXL1-related conditions. This variant is present in population databases (rs143770363, gnomAD 0.003%). This sequence change replaces glutamic acid, which is acidic and polar, with lysine, which is basic and polar, at codon 1383 of the ASXL1 protein (p.Glu1383Lys).

NM_015338.6(ASXL1):c.4147G>A (p.Glu1383Lys)

Gene: ASXL1 (ASXL transcriptional regulator 1; plus strand). Cytogenetic location: 20q11.21.
Variant type: single nucleotide variant.
Coding change: c.4147G>A on transcript NM_015338.6 (MANE Select); coding-DNA position 4147, G replaced by A.
Protein change: p.Glu1383Lys; replaces glutamic acid 1383 with lysine.
Molecular consequence: missense variant.
Genome position (GRCh38, 1-based): chr20:32,436,859, G>A. VCF-style: chr20-32436859-G-A. GRCh37 (hg19) VCF-style: chr20-31024662-G-A.
Other names: c.3964G>A, p.Glu1322Lys (NM_001363734.1); short protein forms E1322K, E1383K.
Identifiers: ClinVar variation 3004018 (VCV003004018.3), dbSNP rs143770363, ClinGen allele CA9808975.